The following is an entry in ClinVar:

ClinVar aggregate classification (germline): Likely pathogenic (1 of 4 stars; one submission).

Conditions:
Intellectual developmental disorder 61. Also called: INTELLECTUAL DEVELOPMENTAL DISORDER, AUTOSOMAL DOMINANT 61; MENTAL RETARDATION, AUTOSOMAL DOMINANT 61. Identifiers: MedGen C5231400, MONDO:0032485, OMIM 618009.

Submission:

Equipe Genetique des Anomalies du Developpement, Université de Bourgogne
Classification: Likely pathogenic for Intellectual developmental disorder 61. Last evaluated: 2025-08-11. Review status: criteria provided, single submitter. Criteria: ACMG Guidelines, 2015. Collection method: clinical testing. Allele origin: de novo. Affected: yes.
Comment: This is a heterozygous de novo missense variant NM_005121.3:c.977C>A p.(Thr326Lys) in the gene MED13 (chr17:g.62031476G>T, NC_000017.11:g.62031476G>T). This variant is absent from the database gnomAD (v4.1.0), and in silico prediction scores support a deleterious effect. It is reported in the Decipher (DDD) database as a de novo heterozygous variant of uncertain significance in an individual with a compatible phenotype. Other variants affecting the same amino acid Thr326 or the adjacent residue Pro327 have been reported as pathogenic in ClinVar and published in the original article implicating this gene in human disease (PMID: 29740699). This region represents a mutational hotspot, with three missense variants (p.Thr326Ile, p.Pro327Ser, p.Pro327Gln) and one in-frame deletion (p.Thr326del) affecting the functional phosphodegron (CPD) domain recognized by the SCF-Fbw7 ubiquitin ligase complex, which regulates protein stability. Monoallelic pathogenic variants in MED13 are responsible for neurodevelopmental disorder type 61 (OMIM #618009) with autosomal dominant inheritance, characterized by variable features including distinctive facial morphology, ophthalmologic anomalies (nystagmus and Duane anomaly), and, in a minority of cases, cardiac defects. According to current evidence, this variant is considered likely pathogenic (class 4, according to ACMG criteria).

Literature cited by the submitters: PubMed 29740699.

NM_005121.3(MED13):c.977C>A (p.Thr326Lys)

Gene: MED13 (mediator complex subunit 13; minus strand). Cytogenetic location: 17q23.2.
Variant type: single nucleotide variant.
Coding change: c.977C>A on transcript NM_005121.3 (MANE Select); coding-DNA position 977, C replaced by A.
Protein change: p.Thr326Lys; replaces threonine 326 with lysine.
Molecular consequence: missense variant.
Genome position (GRCh38, 1-based): chr17:62,031,476, G>T on the plus strand (C>A on the coding strand, the complement: MED13 is on the minus strand). VCF-style: chr17-62031476-G-T. GRCh37 (hg19) VCF-style: chr17-60108837-G-T.
Other names: short protein forms T326K.
Identifiers: ClinVar variation 4528344 (VCV004528344.1).